The following is an entry in ClinVar:

NM_052854.4(CREB3L1):c.899A>G (p.Asn300Ser)

Gene: CREB3L1 (cAMP responsive element binding protein 3 like 1; plus strand). Cytogenetic location: 11p11.2.
Variant type: single nucleotide variant.
Coding change: c.899A>G on transcript NM_052854.4 (MANE Select); coding-DNA position 899, A replaced by G.
Protein change: p.Asn300Ser; replaces asparagine 300 with serine.
Molecular consequence: missense variant.
Genome position (GRCh38, 1-based): chr11:46,312,470, A>G. VCF-style: chr11-46312470-A-G. GRCh37 (hg19) VCF-style: chr11-46334021-A-G.
Other names: short protein forms N300S.
Identifiers: ClinVar variation 2126429 (VCV002126429.4), dbSNP rs1939500364, ClinGen allele CA380221768.

ClinVar aggregate classification (germline): Uncertain significance (1 of 4 stars; one submission).

Allele frequency attached by ClinVar (database versions not stated): TOPMed below 0.00001.

Submission:

Labcorp Genetics (formerly Invitae), Labcorp
Classification: Uncertain significance. Last evaluated: 2024-09-08. Review status: criteria provided, single submitter. Criteria: Invitae Variant Classification Sherloc (09022015). Collection method: clinical testing. Allele origin: germline.
Comment: This sequence change replaces asparagine, which is neutral and polar, with serine, which is neutral and polar, at codon 300 of the CREB3L1 protein (p.Asn300Ser). This variant is not present in population databases (gnomAD no frequency). This variant has not been reported in the literature in individuals affected with CREB3L1-related conditions. ClinVar contains an entry for this variant (Variation ID: 2126429). An algorithm developed to predict the effect of missense changes on protein structure and function (PolyPhen-2) suggests that this variant is likely to be disruptive. In summary, the available evidence is currently insufficient to determine the role of this variant in disease. Therefore, it has been classified as a Variant of Uncertain Significance.